The following is an entry in ClinVar:

ClinVar aggregate classification (germline): Pathogenic. Review status: criteria provided, multiple submitters, no conflicts (2 of 4 stars). 3 submissions from 3 submitters: Pathogenic (2). 1 of the submissions does not count toward it. Last evaluated 2026-01-06.

Conditions:
Vitelliform macular dystrophy 3 (VMD3). Also called: PRPH2 vitelliform macular dystrophy; vitelliform macular dystrophy caused by mutation in PRPH2. Identifiers: MedGen CN295869, MONDO:0024561, OMIM 608161.
PRPH2-related disorder. Also called: PRPH2-related disorders; PRPH2-related condition. Identifiers: MedGen CN239395.

Submissions (3):

Labcorp Genetics (formerly Invitae), Labcorp
Classification: Pathogenic for PRPH2-related disorder. Last evaluated: 2026-01-06. Review status: criteria provided, single submitter. Criteria: Invitae Variant Classification Sherloc (09022015). Collection method: clinical testing. Allele origin: germline.
Comment: This sequence change creates a premature translational stop signal (p.Arg172Serfs*5) in the PRPH2 gene. It is expected to result in an absent or disrupted protein product. Loss-of-function variants in PRPH2 are known to be pathogenic (PMID: 8111389, 8485575, 8485576, 8675410, 16916875, 17504850, 22863181, 25675413, 26061163, 27365499, 29555955, 33546218). This variant is not present in population databases (gnomAD no frequency). This premature translational stop signal has been observed in individual(s) with clinical features of PRPH2-related conditions (PMID: 29555955). ClinVar contains an entry for this variant (Variation ID: 1175216). For these reasons, this variant has been classified as Pathogenic.

Institute of Medical Genetics and Applied Genomics, University Hospital Tübingen
Classification: Pathogenic for Vitelliform macular dystrophy 3. Last evaluated: 2025-05-22. Review status: criteria provided, single submitter. Criteria: ACMG Guidelines, 2015. Collection method: clinical testing. Allele origin: germline. Inheritance: Autosomal dominant inheritance. Affected: yes.

Leiden Open Variation Database
Classification: Pathogenic. Last evaluated: 2021-02-14. Review status: no assertion criteria provided. Collection method: curation. Allele origin: germline. Affected: yes. Not counted in ClinVar's aggregate classification.
Comment: Curator: Global Variome, with Curator vacancy. Submitter to LOVD: LOVD.

Literature cited by the submitters: PubMed 8111389 (cited by Labcorp Genetics (formerly Invitae), Labcorp); PubMed 8485575 (cited by Labcorp Genetics (formerly Invitae), Labcorp); PubMed 8485576 (cited by Labcorp Genetics (formerly Invitae), Labcorp); PubMed 8675410 (cited by Labcorp Genetics (formerly Invitae), Labcorp); PubMed 16916875 (cited by Labcorp Genetics (formerly Invitae), Labcorp); PubMed 17504850 (cited by Labcorp Genetics (formerly Invitae), Labcorp); PubMed 22863181 (cited by Labcorp Genetics (formerly Invitae), Labcorp); PubMed 25675413 (cited by Labcorp Genetics (formerly Invitae), Labcorp); PubMed 26061163 (cited by Labcorp Genetics (formerly Invitae), Labcorp); PubMed 27365499 (cited by Labcorp Genetics (formerly Invitae), Labcorp); PubMed 29555955 (cited by Labcorp Genetics (formerly Invitae), Labcorp and Leiden Open Variation Database); PubMed 33546218 (cited by Labcorp Genetics (formerly Invitae), Labcorp).

NM_000322.5(PRPH2):c.513dup (p.Arg172fs)

Gene: PRPH2 (peripherin 2; minus strand). Cytogenetic location: 6p21.1.
Variant type: Duplication.
Coding change: c.513dup on transcript NM_000322.5 (MANE Select); coding-DNA position 513, one base duplicated (T; older notation c.513dupT).
Protein change: p.Arg172fs; shifts the reading frame from arginine 172.
Molecular consequence: frameshift variant.
Genome position (GRCh38, 1-based): chr6:42,721,822, A duplicated on the plus strand (T on the coding strand, the reverse complement: PRPH2 is on the minus strand); the first of 4 consecutive A bases (chr6:42,721,822-42,721,825); duplicating any one gives the same sequence. VCF-style (leftmost placement, unchanged base first): chr6-42721821-G-GA. GRCh37 (hg19) VCF-style: chr6-42689559-G-GA.
Other names: short protein forms R172fs.
Identifiers: ClinVar variation 1175216 (VCV001175216.10), dbSNP rs2152010904, ClinGen allele CA2499218261.
Genomic context (GRCh38, chr6:42,721,821, plus strand): 5'-CTTCTTTGGAGGAAAAGTCCAGGTAGCGATTGCTGATCCACTGAATCTCAAACCAGTCCC[G>GA]AAAACCGTTGTTGCCGCAGCATTTGAACTCGATCTGCAGCATGTCGATGGTCTTCTTCAT-3'